The following is an entry in ClinVar:

ClinVar aggregate classification (germline): not provided (0 of 4 stars; one submission).

Conditions:
Normal pregnancy. Identifiers: MedGen C0232989.

Submission:

Institute of Molecular and Cell Biology, University of Tartu
No classification provided. Condition: Normal pregnancy. Review status: no classification provided. Collection method: case-control. Allele origin: unknown. Affected: yes. Study: Kasak2014.
Comment: The study aimed to determine the contribution of copy number variants in the genetic etiology of normal and complicated pregnancies. The samples represented (i) maternal blood DNA drawn from healthy pregnant women during 1st or 2nd trimester and (ii) maternal and paternal blood DNA drawn at term pregnancy cases representing normal and complicated gestations (severe preeclampsia, PE; gestational diabetes, GD; small-for-gestational age newborn, SGA; large-for-gestational age newborn, LGA). We performed CNV calling based on genome-wide genotyping dataset (Illumina HumanOmniExpress-24-v1 BeadChip) by applying three algorithms, QuantiSNP, GADA (Genome Alteration Detection Algorithm) and CNstream in parallel. The acquired CNV calls were merged with HD-CNV (Hotspot Detector for Copy Number Variants) program and only the CNVs predicted by at least two programs, were considered in subsequent analysis.

Literature cited by the submitters: PubMed 25666259.

NC_000012.12:g.31106438_31262270dup

Genes: LOC129390426 (MPRA-validated peak1651 silencer; plus strand), LOC132090103 (Neanderthal introgressed variant-containing enhancer experimental_28233; plus strand). Cytogenetic location: 12p11.21.
Variant type: Duplication.
Identifiers: ClinVar variation 157245 (VCV000157245.3).